The following is an entry in ClinVar:

NM_001146156.2(GSK3B):c.127A>G (p.Thr43Ala)

Gene: GSK3B (glycogen synthase kinase 3 beta; minus strand). Cytogenetic location: 3q13.33.
Variant type: single nucleotide variant.
Coding change: c.127A>G on transcript NM_001146156.2 (MANE Select); coding-DNA position 127, A replaced by G.
Protein change: p.Thr43Ala; replaces threonine 43 with alanine.
Molecular consequence: missense variant.
Genome position (GRCh38, 1-based): chr3:120,002,201, T>C on the plus strand (A>G on the coding strand, the complement: GSK3B is on the minus strand). VCF-style: chr3-120002201-T-C. GRCh37 (hg19) VCF-style: chr3-119721048-T-C.
Other names: c.127A>G, p.Thr43Ala (NM_001354596.2, NM_002093.4); short protein forms T43A.
Identifiers: ClinVar variation 4976354 (VCV004976354.1).

ClinVar aggregate classification (germline): Uncertain significance (1 of 4 stars; one submission).

gnomAD v4.1: 2 of 1,588,286 alleles (0.00013%); highest among the groups gnomAD compares: South Asian, 0.0012%; no homozygotes.

Submission:

GeneDx
Classification: Uncertain significance. Last evaluated: 2026-02-21. Review status: criteria provided, single submitter. Criteria: GeneDx Variant Classification Process June 2021. Collection method: clinical testing. Allele origin: germline.
Comment: Not observed at significant frequency in large population cohorts (gnomAD); In silico analysis supports that this missense variant has a deleterious effect on protein structure/function; Has not been previously published as pathogenic or benign to our knowledge